The following is an entry in ClinVar:

ClinVar aggregate classification (germline): Uncertain significance (1 of 4 stars; one submission).

Submission:

Labcorp Genetics (formerly Invitae), Labcorp
Classification: Uncertain significance. Last evaluated: 2024-05-01. Review status: criteria provided, single submitter. Criteria: Invitae Variant Classification Sherloc (09022015). Collection method: clinical testing. Allele origin: germline.
Comment: This sequence change replaces valine, which is neutral and non-polar, with leucine, which is neutral and non-polar, at codon 924 of the SETBP1 protein (p.Val924Leu). This variant is not present in population databases (gnomAD no frequency). This variant has not been reported in the literature in individuals affected with SETBP1-related conditions. An algorithm developed to predict the effect of missense changes on protein structure and function (PolyPhen-2) suggests that this variant is likely to be disruptive. In summary, the available evidence is currently insufficient to determine the role of this variant in disease. Therefore, it has been classified as a Variant of Uncertain Significance.

NM_015559.3(SETBP1):c.2770G>T (p.Val924Leu)

Gene: SETBP1 (SET binding protein 1; plus strand). Cytogenetic location: 18q12.3.
Variant type: single nucleotide variant.
Coding change: c.2770G>T on transcript NM_015559.3 (MANE Select); coding-DNA position 2770, G replaced by T.
Protein change: p.Val924Leu; replaces valine 924 with leucine.
Molecular consequence: missense variant.
Genome position (GRCh38, 1-based): chr18:44,952,110, G>T. VCF-style: chr18-44952110-G-T. GRCh37 (hg19) VCF-style: chr18-42532075-G-T.
Other names: c.2770G>T, p.Val924Leu (NM_001379141.1, NM_001379142.1, NM_001410862.1); short protein forms V924L.
Identifiers: ClinVar variation 3651775 (VCV003651775.2).